The following is an entry in ClinVar:

NM_139215.3(TAF15):c.1651G>A (p.Gly551Arg)

Gene: TAF15 (TATA-box binding protein associated factor 15; plus strand). Cytogenetic location: 17q12.
Variant type: single nucleotide variant.
Coding change: c.1651G>A on transcript NM_139215.3 (MANE Select); coding-DNA position 1651, G replaced by A.
Protein change: p.Gly551Arg; replaces glycine 551 with arginine.
Molecular consequence: missense variant.
Genome position (GRCh38, 1-based): chr17:35,844,950, G>A. VCF-style: chr17-35844950-G-A. GRCh37 (hg19) VCF-style: chr17-34171954-G-A.
Other names: c.1642G>A, p.Gly548Arg (NM_003487.4); short protein forms G548R, G551R.
Identifiers: ClinVar variation 3370524 (VCV003370524.1).

ClinVar aggregate classification (germline): Uncertain significance (1 of 4 stars; one submission).

gnomAD v4.1: 2 of 1,613,210 alleles (0.00012%); highest among the groups gnomAD compares: African/African-American, 0.0027%; no homozygotes.

Submission:

GeneDx
Classification: Uncertain significance. Last evaluated: 2024-03-07. Review status: criteria provided, single submitter. Criteria: GeneDx Variant Classification Process June 2021. Collection method: clinical testing. Allele origin: germline. Affected: yes.
Comment: Not observed at significant frequency in large population cohorts (gnomAD); In silico analysis supports that this missense variant has a deleterious effect on protein structure/function; Has not been previously published as pathogenic or benign to our knowledge